The following is an entry in ClinVar:

ClinVar aggregate classification (germline): Uncertain significance (1 of 4 stars; one submission).

Conditions:
Inborn genetic diseases. Identifiers: MedGen C0950123, MeSH D030342.

Allele frequency attached by ClinVar (database versions not stated): gnomAD exomes below 0.00001; TOPMed 0.00001.
gnomAD v4.1: 5 of 1,613,872 alleles (0.00031%); highest among the groups gnomAD compares: Non-Finnish European, 0.00034%; no homozygotes.

Submission:

Ambry Genetics
Classification: Uncertain significance for Inborn genetic diseases. Last evaluated: 2020-03-23. Review status: criteria provided, single submitter. Criteria: Ambry Variant Classification Scheme 2023. Collection method: clinical testing. Allele origin: germline.
Comment: The p.H143Y variant (also known as c.427C>T), located in coding exon 3 of the GDAP1 gene, results from a C to T substitution at nucleotide position 427. The histidine at codon 143 is replaced by tyrosine, an amino acid with similar properties. This amino acid position is highly conserved in available vertebrate species. In addition, this alteration is predicted to be deleterious by in silico analysis. Since supporting evidence is limited at this time, the clinical significance of this alteration remains unclear.

NM_018972.4(GDAP1):c.427C>T (p.His143Tyr)

Gene: GDAP1 (ganglioside induced differentiation associated protein 1; plus strand). Cytogenetic location: 8q21.11.
Variant type: single nucleotide variant.
Coding change: c.427C>T on transcript NM_018972.4 (MANE Select); coding-DNA position 427, C replaced by T.
Protein change: p.His143Tyr; replaces histidine 143 with tyrosine.
Molecular consequence: missense variant. On other transcripts: intron variant (1).
Genome position (GRCh38, 1-based): chr8:74,360,253, C>T. VCF-style: chr8-74360253-C-T. GRCh37 (hg19) VCF-style: chr8-75272488-C-T.
Other names: c.223C>T, p.His75Tyr (NM_001040875.4); c.100C>T, p.His34Tyr (NM_001362929.2, NM_001362932.2); c.427C>T, p.His143Tyr (NM_001362931.2); c.311-1631C>T (NM_001362930.2); short protein forms H75Y, H143Y, H34Y.
Identifiers: ClinVar variation 1739330 (VCV001739330.2), dbSNP rs1231809460, ClinGen allele CA371548800.